The following is an entry in ClinVar:

ClinVar aggregate classification (germline): Benign. Review status: criteria provided, multiple submitters, no conflicts (2 of 4 stars). 6 submissions from 6 submitters: Benign (5). 1 of the submissions does not count toward it. Last evaluated 2026-02-01.

Conditions:
SLITRK6-related disorder. Also called: SLITRK6-related condition.

Allele frequency attached by ClinVar (database versions not stated): 1000 Genomes Project 0.01338; 1000 Genomes Project 30x 0.01452; ExAC 0.01555; gnomAD exomes 0.01606 and 0.01609; gnomAD 0.02140 and 0.02244; TOPMed 0.02229; ESP Exome Variant Server 0.02252.
gnomAD v4.1: 26,731 of 1,611,612 alleles (1.7%); highest among the groups gnomAD compares: African/African-American, 3.3%; 248 homozygotes.

Submissions (6):

Labcorp Genetics (formerly Invitae), Labcorp
Classification: Benign. Last evaluated: 2026-02-01. Review status: criteria provided, single submitter. Criteria: Invitae Variant Classification Sherloc (09022015). Collection method: clinical testing. Allele origin: germline.

Athena Diagnostics
Classification: Benign. Last evaluated: 2019-07-12. Review status: criteria provided, single submitter. Criteria: Athena Diagnostics Criteria. Collection method: clinical testing. Allele origin: germline.

GeneDx
Classification: Benign. Last evaluated: 2017-11-02. Review status: criteria provided, single submitter. Criteria: GeneDx Variant Classification (06012015). Collection method: clinical testing. Allele origin: germline. Affected: yes.
Comment: This variant is considered likely benign or benign based on one or more of the following criteria: it is a conservative change, it occurs at a poorly conserved position in the protein, it is predicted to be benign by multiple in silico algorithms, and/or has population frequency not consistent with disease.

Laboratory for Molecular Medicine, Mass General Brigham Personalized Medicine
Classification: Benign. Last evaluated: 2017-08-23. Review status: criteria provided, single submitter. Criteria: LMM Criteria. Collection method: clinical testing. Allele origin: germline. Observed: 13 variant alleles.
Comment: p.Asn74Asn in exon 2 of SLITRK6: This variant is not expected to have clinical s ignificance because it does not alter an amino acid residue, is not located with in the splice consensus sequence, and has been identified in 3.12% (306/9798) of African chromosomes by the Exome Aggregation Consortium (ExAC; dbSNP rs35342386).

Breakthrough Genomics
Classification: Benign. Review status: criteria provided, single submitter. Criteria: ACMG Guidelines, 2015. Collection method: not provided. Allele origin: germline. Inheritance: Autosomal recessive inheritance. Affected: yes.

PreventionGenetics, part of Exact Sciences
Classification: Benign for SLITRK6-related condition. Last evaluated: 2019-07-15. Review status: no assertion criteria provided. Collection method: clinical testing. Allele origin: germline. Not counted in ClinVar's aggregate classification.
Comment: This variant is classified as benign based on ACMG/AMP sequence variant interpretation guidelines (Richards et al. 2015 PMID: 25741868, with internal and published modifications).

NM_032229.3(SLITRK6):c.222C>T (p.Asn74=)

Gene: SLITRK6 (SLIT and NTRK like family member 6; minus strand). Cytogenetic location: 13q31.1.
Variant type: single nucleotide variant.
Coding change: c.222C>T on transcript NM_032229.3 (MANE Select); coding-DNA position 222, C replaced by T.
Protein change: p.Asn74=; no amino-acid change (asparagine 74 retained).
Molecular consequence: synonymous variant.
Genome position (GRCh38, 1-based): chr13:85,796,287, G>A on the plus strand (C>T on the coding strand, the complement: SLITRK6 is on the minus strand). VCF-style: chr13-85796287-G-A. GRCh37 (hg19) VCF-style: chr13-86370422-G-A.
Identifiers: ClinVar variation 506092 (VCV000506092.17), dbSNP rs35342386, ClinGen allele CA7015312.